The following is an entry in ClinVar:

NM_002666.5(PLIN1):c.1559A>G (p.Lys520Arg)

Gene: PLIN1 (perilipin 1; minus strand). Cytogenetic location: 15q26.1.
Variant type: single nucleotide variant.
Coding change: c.1559A>G on transcript NM_002666.5 (MANE Select); coding-DNA position 1559, A replaced by G.
Protein change: p.Lys520Arg; replaces lysine 520 with arginine.
Molecular consequence: missense variant.
Genome position (GRCh38, 1-based): chr15:89,665,593, T>C on the plus strand (A>G on the coding strand, the complement: PLIN1 is on the minus strand). VCF-style: chr15-89665593-T-C. GRCh37 (hg19) VCF-style: chr15-90208824-T-C.
Other names: c.1559A>G, p.Lys520Arg (NM_001145311.2); short protein forms K520R.
Identifiers: ClinVar variation 3600402 (VCV003600402.1).

ClinVar aggregate classification (germline): Uncertain significance (1 of 4 stars; one submission).

Conditions:
PLIN1-related familial partial lipodystrophy. Also called: LIPODYSTROPHY, FAMILIAL PARTIAL, ASSOCIATED WITH PLIN1 MUTATIONS. Identifiers: Orphanet 280356, MedGen C5191005, MONDO:0013478, OMIM 613877.

gnomAD v4.1: 1 of 1,526,840 alleles (0.000065%); highest among the groups gnomAD compares: Non-Finnish European, 0.000088%; no homozygotes.

Submission:

Clinical Genomics Laboratory, Washington University in St. Louis
Classification: Uncertain significance for PLIN1-related familial partial lipodystrophy. Last evaluated: 2024-06-05. Review status: criteria provided, single submitter. Criteria: ACMG Guidelines, 2015. Collection method: clinical testing. Allele origin: germline.
Comment: A PLIN1 c.1559A>G (p.Lys520Arg) variant was identified. This variant, to our knowledge, has not been reported in the medical literature and is only observed on 1/30,832 alleles in the general population (gnomAD v.2.1.1), indicating it is not a common variant. Computational predictors suggest that the variant does not impact PLIN1 function. Due to limited information, and based on ACMG/AMP guidelines for variant interpretation (Richards S et al., PMID: 25741868), the clinical significance of this variant is uncertain at this time.